The following is an entry in ClinVar:

NM_001999.4(FBN2):c.6757+2C>T

Gene: FBN2 (fibrillin 2; minus strand). Cytogenetic location: 5q23.3.
Variant type: single nucleotide variant.
Coding change: c.6757+2C>T on transcript NM_001999.4 (MANE Select); the canonical splice donor site of the intron after coding-DNA position 6757, C replaced by T.
Molecular consequence: splice donor variant.
Genome position (GRCh38, 1-based): chr5:128,288,436, G>A on the plus strand (C>T on the coding strand, the complement: FBN2 is on the minus strand). VCF-style: chr5-128288436-G-A. GRCh37 (hg19) VCF-style: chr5-127624128-G-A.
Identifiers: ClinVar variation 1953042 (VCV001953042.5), dbSNP rs770676086, ClinGen allele CA3394323.

ClinVar aggregate classification (germline): Uncertain significance (1 of 4 stars; one submission).

Conditions:
Congenital contractural arachnodactyly (CCA). Also called: BEALS SYNDROME; Arthrogryposis, distal, type 9; Beals-Hecht syndrome. Identifiers: Orphanet 115, MedGen C0220668, MONDO:0007363, OMIM 121050.

Allele frequency attached by ClinVar (database versions not stated): ExAC 0.00001; gnomAD exomes 0.00001; TOPMed 0.00001.
gnomAD v4.1: 17 of 1,613,868 alleles (0.0011%); highest among the groups gnomAD compares: East Asian, 0.0045%; no homozygotes.

Submission:

Labcorp Genetics (formerly Invitae), Labcorp
Classification: Uncertain significance for Congenital contractural arachnodactyly. Last evaluated: 2023-12-18. Review status: criteria provided, single submitter. Criteria: Invitae Variant Classification Sherloc (09022015). Collection method: clinical testing. Allele origin: germline.
Comment: This sequence change falls in intron 53 of the FBN2 gene. It does not directly change the encoded amino acid sequence of the FBN2 protein. It affects a nucleotide within the consensus splice site. This variant is present in population databases (rs770676086, gnomAD 0.01%). This variant has not been reported in the literature in individuals affected with FBN2-related conditions. ClinVar contains an entry for this variant (Variation ID: 1953042). Variants that disrupt the consensus splice site are a relatively common cause of aberrant splicing (PMID: 17576681, 9536098). In summary, the available evidence is currently insufficient to determine the role of this variant in disease. Therefore, it has been classified as a Variant of Uncertain Significance.

Literature cited by the submitters: PubMed 17576681; PubMed 9536098.